The following is an entry in ClinVar:

ClinVar aggregate classification (germline): Conflicting classifications of pathogenicity. Review status: criteria provided, conflicting classifications (1 of 4 stars). 7 submissions from 7 submitters: Uncertain significance (4); Likely benign (2). 1 of the submissions does not count toward it. Last evaluated 2025-09-15.

Conditions:
MYO15A-related disorder. Also called: MYO15A-related condition.
Inborn genetic diseases. Identifiers: MedGen C0950123, MeSH D030342.

Allele frequency attached by ClinVar (database versions not stated): gnomAD exomes 0.00008 and 0.00020; ExAC 0.00023; gnomAD 0.00046 and 0.00049; ESP Exome Variant Server 0.00047; TOPMed 0.00047.
gnomAD v4.1: 189 of 1,613,958 alleles (0.012%); highest among the groups gnomAD compares: African/African-American, 0.14%; 1 homozygote.

Submissions (7):

Labcorp Genetics (formerly Invitae), Labcorp
Classification: Likely benign. Last evaluated: 2025-09-15. Review status: criteria provided, single submitter. Criteria: Invitae Variant Classification Sherloc (09022015). Collection method: clinical testing. Allele origin: germline.

CeGaT Center for Human Genetics Tuebingen
Classification: Uncertain significance. Last evaluated: 2025-01-01. Review status: criteria provided, single submitter. Criteria: CeGaT Center For Human Genetics Tuebingen Variant Classification Criteria Version 2. Collection method: clinical testing. Allele origin: germline. Affected: yes. Observed: 1 variant allele.

Blueprint Genetics
Classification: Uncertain significance. Last evaluated: 2024-04-11. Review status: criteria provided, single submitter. Criteria: ACMG Guidelines, 2015. Collection method: clinical testing. Allele origin: germline.

Ambry Genetics
Classification: Uncertain significance for Inborn genetic diseases. Last evaluated: 2023-08-15. Review status: criteria provided, single submitter. Criteria: Ambry Variant Classification Scheme 2023. Collection method: clinical testing. Allele origin: germline.

Eurofins Ntd Llc (ga)
Classification: Uncertain significance. Last evaluated: 2014-12-10. Review status: criteria provided, single submitter. Criteria: EGL Classification Definitions 2015. Collection method: clinical testing. Allele origin: germline. Observed: 1 variant allele, 1 heterozygote.

Laboratory for Molecular Medicine, Mass General Brigham Personalized Medicine
Classification: Likely benign. Last evaluated: 2014-07-01. Review status: criteria provided, single submitter. Criteria: LMM Criteria. Collection method: clinical testing. Allele origin: germline. Observed: 1 variant allele.
Comment: Val3108Ile in exon 56 of MYO15A: This variant is not expected to have clinical s ignificance due to a lack of conservation across species, including mammals. Of note, black flying fox, megabat, and aardvark have an isoleucine (Ile) at this p osition despite high nearby amino acid conservation. It has been identified in 0 .14% (6/4218) of African American chromosomes by the NHLBI Exome Sequencing Proj ect (dbSNP rs201734915).

PreventionGenetics, part of Exact Sciences
Classification: Likely benign for MYO15A-related condition. Last evaluated: 2023-10-27. Review status: no assertion criteria provided. Collection method: clinical testing. Allele origin: germline. Not counted in ClinVar's aggregate classification.
Comment: This variant is classified as likely benign based on ACMG/AMP sequence variant interpretation guidelines (Richards et al. 2015 PMID: 25741868, with internal and published modifications).

NM_016239.4(MYO15A):c.9322G>A (p.Val3108Ile)

Gene: MYO15A (myosin XVA; plus strand). Cytogenetic location: 17p11.2.
Variant type: single nucleotide variant.
Coding change: c.9322G>A on transcript NM_016239.4 (MANE Select); coding-DNA position 9322, G replaced by A.
Protein change: p.Val3108Ile; replaces valine 3108 with isoleucine.
Molecular consequence: missense variant.
Genome position (GRCh38, 1-based): chr17:18,159,953, G>A. VCF-style: chr17-18159953-G-A. GRCh37 (hg19) VCF-style: chr17-18063267-G-A.
Other names: short protein forms V3108I.
Identifiers: ClinVar variation 164560 (VCV000164560.34), dbSNP rs201734915, ClinGen allele CA177265.
Genomic context (GRCh38, chr17:18,159,953, plus strand): 5'-CCTCACATGTCTTTGGTGTGTAACCTCCCTGCCCCCCTTCAGCTGTGCGGGGACCATGAG[G>A]TCATGCGGGATGAATGTTACTGCCAAGTTGTGAAGCAGATCACAGACAATACCAGCTCCA-3'
Protein context (NP_057323.3, residues 3098-3118): NLLKLCGDHE[Val3108Ile]MRDECYCQVV